The following is an entry in ClinVar:

NM_000260.4(MYO7A):c.140G>A (p.Trp47Ter)

Gene: MYO7A (myosin VIIA; plus strand). Cytogenetic location: 11q13.5.
Variant type: single nucleotide variant.
Coding change: c.140G>A on transcript NM_000260.4 (MANE Select); coding-DNA position 140, G replaced by A.
Protein change: p.Trp47Ter; replaces tryptophan 47 with a stop codon.
Molecular consequence: nonsense.
Genome position (GRCh38, 1-based): chr11:77,147,805, G>A. VCF-style: chr11-77147805-G-A. GRCh37 (hg19) VCF-style: chr11-76858851-G-A.
Other names: c.140G>A, p.Trp47Ter (NM_001127180.2); c.107G>A, p.Trp36Ter (NM_001369365.1); short protein forms W36*, W47*.
Identifiers: ClinVar variation 2430369 (VCV002430369.2), dbSNP rs2496573397, ClinGen allele CA381928579.

ClinVar aggregate classification (germline): Pathogenic (1 of 4 stars; one submission).

Allele frequency attached by ClinVar (database versions not stated): gnomAD exomes below 0.00001.
gnomAD v4.1: 1 of 1,610,188 alleles (0.000062%); highest among the groups gnomAD compares: South Asian, 0.0011%; no homozygotes.

Submission:

Centre of Medical Genetics, University Hospital Muenster
Classification: Pathogenic. Last evaluated: 2023-01-03. Review status: criteria provided, single submitter. Criteria: ACMG Guidelines, 2015. Collection method: clinical testing. Allele origin: unknown. Affected: yes. Observed: 1 variant allele, 1 heterozygote.
Comment: ACMG categories: PVS1,PM2,PP3